The following is an entry in ClinVar:

ClinVar aggregate classification (germline): Uncertain significance (1 of 4 stars; one submission).

Conditions:
Primary ciliary dyskinesia 33. Also called: CILIARY DYSKINESIA, PRIMARY, 33, WITHOUT SITUS INVERSUS. Identifiers: Orphanet 244, MedGen C4225230, MONDO:0014750, OMIM 616726.

Allele frequency attached by ClinVar (database versions not stated): gnomAD 0.00001; ExAC 0.00003; gnomAD exomes 0.00003; TOPMed 0.00003.
gnomAD v4.1: 23 of 1,612,812 alleles (0.0014%); highest among the groups gnomAD compares: Admixed American, 0.012%; no homozygotes.

Submission:

Labcorp Genetics (formerly Invitae), Labcorp
Classification: Uncertain significance for Primary ciliary dyskinesia 33. Last evaluated: 2024-06-04. Review status: criteria provided, single submitter. Criteria: Invitae Variant Classification Sherloc (09022015). Collection method: clinical testing. Allele origin: germline.
Comment: This sequence change replaces arginine, which is basic and polar, with histidine, which is basic and polar, at codon 37 of the GAS8 protein (p.Arg37His). This variant is present in population databases (rs760398932, gnomAD 0.02%). This variant has not been reported in the literature in individuals affected with GAS8-related conditions. ClinVar contains an entry for this variant (Variation ID: 655260). Advanced modeling of protein sequence and biophysical properties (such as structural, functional, and spatial information, amino acid conservation, physicochemical variation, residue mobility, and thermodynamic stability) performed at Invitae indicates that this missense variant is not expected to disrupt GAS8 protein function with a negative predictive value of 80%. In summary, the available evidence is currently insufficient to determine the role of this variant in disease. Therefore, it has been classified as a Variant of Uncertain Significance.

NM_001481.3(GAS8):c.110G>A (p.Arg37His)

Gene: GAS8 (growth arrest specific 8; plus strand). Cytogenetic location: 16q24.3.
Variant type: single nucleotide variant.
Coding change: c.110G>A on transcript NM_001481.3 (MANE Select); coding-DNA position 110, G replaced by A.
Protein change: p.Arg37His; replaces arginine 37 with histidine.
Molecular consequence: missense variant. On other transcripts: 5 prime UTR variant (2).
Genome position (GRCh38, 1-based): chr16:90,031,318, G>A. VCF-style: chr16-90031318-G-A. GRCh37 (hg19) VCF-style: chr16-90097726-G-A.
Other names: c.-140G>A (NM_001286205.2); c.-412G>A (NM_001286208.2); c.35G>A, p.Arg12His (NM_001286209.2); short protein forms R37H, R12H.
Identifiers: ClinVar variation 655260 (VCV000655260.7), dbSNP rs760398932, ClinGen allele CA8257679.